The following is an entry in ClinVar:

ClinVar aggregate classification (germline): Benign. Review status: criteria provided, multiple submitters, no conflicts (2 of 4 stars). 5 submissions from 5 submitters: Benign (5). Last evaluated 2026-09-21.

Conditions:
Ehlers-Danlos syndrome, classic type, 2 (EDSCL2). Also called: Ehlers-Danlos syndrome type 2 (formerly); Ehlers-Danlos syndrome, type 2; Ehlers-Danlos Syndrome, Classic Type, COL5A2-Related. Identifiers: Orphanet 287, Orphanet 90318, MedGen C0268336, MONDO:0019568, OMIM 130010.

Allele frequency attached by ClinVar (database versions not stated): TOPMed 0.12943; gnomAD 0.13217 and 0.13043; 1000 Genomes Project 30x 0.12804; 1000 Genomes Project 0.13099; ESP Exome Variant Server 0.13183.
gnomAD v4.1: 225,363 of 1,596,518 alleles (14%); highest among the groups gnomAD compares: Middle Eastern, 24%; 16,812 homozygotes.

Submissions (5):

Molecular Diagnostic Laboratory for Inherited Cardiovascular Disease, Montreal Heart Institute
Classification: Benign. Last evaluated: 2026-09-21. Review status: criteria provided, single submitter. Criteria: ACMG Guidelines, 2015. Collection method: clinical testing. Allele origin: germline. Affected: no.
Comment: BA1

Genome-Nilou Lab
Classification: Benign for Ehlers-Danlos syndrome, classic type, 2. Last evaluated: 2021-07-30. Review status: criteria provided, single submitter. Criteria: ACMG Guidelines, 2015. Collection method: clinical testing. Allele origin: germline. Affected: no.

GeneDx
Classification: Benign. Last evaluated: 2018-06-23. Review status: criteria provided, single submitter. Criteria: GeneDx Variant Classification Process June 2021. Collection method: clinical testing. Allele origin: germline. Affected: yes.

Breakthrough Genomics
Classification: Benign. Review status: criteria provided, single submitter. Criteria: ACMG Guidelines, 2015. Collection method: not provided. Allele origin: germline. Inheritance: Autosomal dominant inheritance. Affected: yes.

PreventionGenetics, part of Exact Sciences
Classification: Benign. Review status: criteria provided, single submitter. Criteria: ACMG Guidelines, 2015. Collection method: clinical testing. Allele origin: germline.

NM_000393.5(COL5A2):c.337-26T>C

Gene: COL5A2 (collagen type V alpha 2 chain; minus strand). Cytogenetic location: 2q32.2.
Variant type: single nucleotide variant.
Coding change: c.337-26T>C on transcript NM_000393.5 (MANE Select); 26 bases into the intron before coding-DNA position 337, T replaced by C.
Molecular consequence: intron variant.
Genome position (GRCh38, 1-based): chr2:189,100,165, A>G on the plus strand (T>C on the coding strand, the complement: COL5A2 is on the minus strand). VCF-style: chr2-189100165-A-G. GRCh37 (hg19) VCF-style: chr2-189964891-A-G.
Other names: c.337-26T>C (NM_000393.4).
Identifiers: ClinVar variation 256000 (VCV000256000.10), dbSNP rs56380683, ClinGen allele CA2023129.